The following is an entry in ClinVar:

ClinVar aggregate classification (germline): Uncertain significance. Review status: criteria provided, multiple submitters, no conflicts (2 of 4 stars). 2 submissions from 2 submitters: Uncertain significance (2). Last evaluated 2021-09-01.

Allele frequency attached by ClinVar (database versions not stated): ExAC 0.00001; gnomAD exomes 0.00001 and 0.00002.
gnomAD v4.1: 32 of 1,614,146 alleles (0.002%); highest among the groups gnomAD compares: Non-Finnish European, 0.0027%; no homozygotes.

Submissions (2):

Labcorp Genetics (formerly Invitae), Labcorp
Classification: Uncertain significance. Last evaluated: 2021-09-01. Review status: criteria provided, single submitter. Criteria: Invitae Variant Classification Sherloc (09022015). Collection method: clinical testing. Allele origin: germline.
Comment: This sequence change replaces leucine with phenylalanine at codon 319 of the FAM161A protein (p.Leu319Phe). The leucine residue is highly conserved and there is a small physicochemical difference between leucine and phenylalanine. This variant is present in population databases (rs748934990, ExAC 0.001%). This variant has not been reported in the literature in individuals affected with FAM161A-related conditions. Algorithms developed to predict the effect of missense changes on protein structure and function are either unavailable or do not agree on the potential impact of this missense change (SIFT: "Deleterious"; PolyPhen-2: "Probably Damaging"; Align-GVGD: "Class C0"). In summary, the available evidence is currently insufficient to determine the role of this variant in disease. Therefore, it has been classified as a Variant of Uncertain Significance.

Blueprint Genetics
Classification: Uncertain significance. Last evaluated: 2019-02-23. Review status: criteria provided, single submitter. Criteria: ACMG Guidelines, 2015. Collection method: clinical testing. Allele origin: germline.

NM_001201543.2(FAM161A):c.957G>C (p.Leu319Phe)

Gene: FAM161A (FAM161 centrosomal protein A; minus strand). Cytogenetic location: 2p15.
Variant type: single nucleotide variant.
Coding change: c.957G>C on transcript NM_001201543.2 (MANE Select); coding-DNA position 957, G replaced by C.
Protein change: p.Leu319Phe; replaces leucine 319 with phenylalanine.
Molecular consequence: missense variant. On other transcripts: non-coding transcript variant (1).
Genome position (GRCh38, 1-based): chr2:61,840,047, C>G on the plus strand (G>C on the coding strand, the complement: FAM161A is on the minus strand). VCF-style: chr2-61840047-C-G. GRCh37 (hg19) VCF-style: chr2-62067182-C-G.
Other names: c.957G>C, p.Leu319Phe (NM_032180.3); short protein forms L319F.
Identifiers: ClinVar variation 1007782 (VCV001007782.7), dbSNP rs748934990, ClinGen allele CA1679243.